The following is an entry in ClinVar:

NM_006343.3(MERTK):c.2179C>T (p.Arg727Ter)

Gene: MERTK (MER proto-oncogene, tyrosine kinase; plus strand). Cytogenetic location: 2q13.
Variant type: single nucleotide variant.
Coding change: c.2179C>T on transcript NM_006343.3 (MANE Select); coding-DNA position 2179, C replaced by T.
Protein change: p.Arg727Ter; replaces arginine 727 with a stop codon.
Molecular consequence: nonsense.
Genome position (GRCh38, 1-based): chr2:112,019,512, C>T. VCF-style: chr2-112019512-C-T. GRCh37 (hg19) VCF-style: chr2-112777089-C-T.
Other names: short protein forms R727*.
Identifiers: ClinVar variation 866075 (VCV000866075.51), dbSNP rs746238212, ClinGen allele CA348236942.

ClinVar aggregate classification (germline): Pathogenic. Review status: criteria provided, multiple submitters, no conflicts (2 of 4 stars). 4 submissions from 4 submitters: Pathogenic (4). Last evaluated 2024-04-25.

Conditions:
MERTK-related disorder. Also called: MERTK-related condition.
Retinal dystrophy. Also called: Inherited retinal dystrophy. Identifiers: Orphanet 71862, MedGen C0854723, MeSH D058499, MONDO:0019118, HP:0000556.

Allele frequency attached by ClinVar (database versions not stated): TOPMed 0.00001.
gnomAD v4.1: 10 of 1,610,372 alleles (0.00062%); highest among the groups gnomAD compares: East Asian, 0.0022%; no homozygotes.

Submissions (4):

Labcorp Genetics (formerly Invitae), Labcorp
Classification: Pathogenic. Last evaluated: 2024-04-25. Review status: criteria provided, single submitter. Criteria: Invitae Variant Classification Sherloc (09022015). Collection method: clinical testing. Allele origin: germline.
Comment: This sequence change creates a premature translational stop signal (p.Arg727*) in the MERTK gene. It is expected to result in an absent or disrupted protein product. Loss-of-function variants in MERTK are known to be pathogenic (PMID: 24265693, 29659094). This variant is present in population databases (no rsID available, gnomAD 0.002%). This premature translational stop signal has been observed in individual(s) with clinical features of retinitis pigmentosa (PMID: 28462455). It has also been observed to segregate with disease in related individuals. ClinVar contains an entry for this variant (Variation ID: 866075). For these reasons, this variant has been classified as Pathogenic.

Dept Of Ophthalmology, Nagoya University
Classification: Pathogenic for Retinal dystrophy. Last evaluated: 2023-10-01. Review status: criteria provided, single submitter. Criteria: Submitter's publication. Collection method: research. Allele origin: germline. Affected: yes.

Blueprint Genetics
Classification: Pathogenic for MERTK-related disorders. Last evaluated: 2020-03-19. Review status: criteria provided, single submitter. Criteria: ACMG Guidelines, 2015. Collection method: clinical testing. Allele origin: germline. Affected: yes. Observed: 3 variant alleles.

CeGaT Center for Human Genetics Tuebingen
Classification: Pathogenic. Last evaluated: 2018-06-01. Review status: criteria provided, single submitter. Criteria: CeGaT Center For Human Genetics Tuebingen Variant Classification Criteria Version 2. Collection method: clinical testing. Allele origin: germline. Affected: yes. Observed: 1 variant allele.

Literature cited by the submitters: PubMed 24265693 (cited by Labcorp Genetics (formerly Invitae), Labcorp); PubMed 29659094 (cited by Labcorp Genetics (formerly Invitae), Labcorp); PubMed 28462455 (cited by Labcorp Genetics (formerly Invitae), Labcorp).